The following is an entry in ClinVar:

NM_001875.5(CPS1):c.486T>C (p.Tyr162=)

Gene: CPS1 (carbamoyl-phosphate synthase 1; plus strand). Cytogenetic location: 2q34.
Variant type: single nucleotide variant.
Coding change: c.486T>C on transcript NM_001875.5 (MANE Select); coding-DNA position 486, T replaced by C.
Protein change: p.Tyr162=; no amino-acid change (tyrosine 162 retained).
Molecular consequence: synonymous variant. On other transcripts: non-coding transcript variant (1).
Genome position (GRCh38, 1-based): chr2:210,579,728, T>C. VCF-style: chr2-210579728-T-C. GRCh37 (hg19) VCF-style: chr2-211444452-T-C.
Other names: p.Y168Y:TAT>TAC; c.486T>C (LRG_336t1); c.486T>C, p.Tyr162= (NM_001122633.3, NM_001369257.1); c.519T>C, p.Tyr173= (NM_001369256.1).
Identifiers: ClinVar variation 203644 (VCV000203644.54), dbSNP rs138779023, ClinGen allele CA312379.

ClinVar aggregate classification (germline): Benign/Likely benign. Review status: criteria provided, multiple submitters, no conflicts (2 of 4 stars). 8 submissions from 8 submitters: Benign (2); Likely benign (4). 2 of the submissions do not count toward it. Last evaluated 2026-01-28.

Conditions:
Congenital hyperammonemia, type I. Also called: CPS I DEFICIENCY; Carbamoyl phosphate synthetase 1 deficiency; Hyperammonemia due to carbamoyl phosphate synthetase 1 deficiency; CPS 1 deficiency; Carbamyl phosphate synthetase (CPS) deficiency; Carbamoyl phosphate synthetase I deficiency disease. Identifiers: Orphanet 147, MedGen C4082171, MONDO:0009376, OMIM 237300.

Allele frequency attached by ClinVar (database versions not stated): 1000 Genomes Project 0.00060; 1000 Genomes Project 30x 0.00078; TOPMed 0.00277; gnomAD 0.00282 and 0.00295; ESP Exome Variant Server 0.00331; gnomAD exomes 0.00337 and 0.00444; ExAC 0.00412.
gnomAD v4.1: 6,867 of 1,613,202 alleles (0.43%); highest among the groups gnomAD compares: Non-Finnish European, 0.54%; 27 homozygotes.

Submissions (8):

Labcorp Genetics (formerly Invitae), Labcorp
Classification: Benign for Congenital hyperammonemia, type I. Last evaluated: 2026-01-28. Review status: criteria provided, single submitter. Criteria: Invitae Variant Classification Sherloc (09022015). Collection method: clinical testing. Allele origin: germline.

CeGaT Center for Human Genetics Tuebingen
Classification: Likely benign. Last evaluated: 2025-07-01. Review status: criteria provided, single submitter. Criteria: CeGaT Center For Human Genetics Tuebingen Variant Classification Criteria Version 2. Collection method: clinical testing. Allele origin: germline. Affected: yes. Observed: 5 variant alleles.
Comment: CPS1: BP4, BS2

Illumina Laboratory Services, Illumina
Classification: Likely benign for Congenital hyperammonemia, type I. Last evaluated: 2018-01-12. Review status: criteria provided, single submitter. Criteria: ICSL Variant Classification Criteria 13 December 2019. Collection method: clinical testing. Allele origin: germline.
Comment: This variant was observed in the ICSL laboratory as part of a predisposition screen in an ostensibly healthy population. It had not been previously curated by ICSL or reported in the Human Gene Mutation Database (HGMD: prior to June 1st, 2018), and was therefore a candidate for classification through an automated scoring system. Utilizing variant allele frequency, disease prevalence and penetrance estimates, and inheritance mode, an automated score was calculated to assess if this variant is too frequent to cause the disease. Based on the score and internal cut-off values, a variant classified as likely benign is not then subjected to further curation. The score for this variant resulted in a classification of likely benign for this disease.

Clinical Genetics DNA and cytogenetics Diagnostics Lab, Erasmus MC, Erasmus Medical Center
Classification: Likely benign for Congenital hyperammonemia, type I. Last evaluated: 2017-06-28. Review status: criteria provided, single submitter. Criteria: ACGS Guidelines, 2013. Collection method: clinical testing. Allele origin: germline. Affected: yes. Study: VKGL Data-share Consensus.

GeneDx
Classification: Benign. Last evaluated: 2014-08-27. Review status: criteria provided, single submitter. Criteria: GeneDx Variant Classification (06012015). Collection method: clinical testing. Allele origin: germline. Affected: yes.
Comment: This variant is considered likely benign or benign based on one or more of the following criteria: it is a conservative change, it occurs at a poorly conserved position in the protein, it is predicted to be benign by multiple in silico algorithms, and/or has population frequency not consistent with disease.

PreventionGenetics, part of Exact Sciences
Classification: Likely benign. Review status: criteria provided, single submitter. Criteria: ACMG Guidelines, 2015. Collection method: clinical testing. Allele origin: germline.

Natera, Inc.
Classification: Benign for Carbamoyl-phosphate synthase I deficiency. Last evaluated: 2020-09-16. Review status: no assertion criteria provided. Collection method: clinical testing. Allele origin: germline. Not counted in ClinVar's aggregate classification.

Clinical Genetics, Academic Medical Center
Classification: Benign. Review status: no assertion criteria provided. Collection method: clinical testing. Allele origin: germline. Affected: yes. Study: VKGL Data-share Consensus. Not counted in ClinVar's aggregate classification.